The following is an entry in ClinVar:

ClinVar aggregate classification (germline): Uncertain significance (1 of 4 stars; one submission).

Submission:

Labcorp Genetics (formerly Invitae), Labcorp
Classification: Uncertain significance. Last evaluated: 2024-10-25. Review status: criteria provided, single submitter. Criteria: Invitae Variant Classification Sherloc (09022015). Collection method: clinical testing. Allele origin: germline.
Comment: This sequence change replaces asparagine, which is neutral and polar, with serine, which is neutral and polar, at codon 69 of the PSMA3 protein (p.Asn69Ser). This variant is not present in population databases (gnomAD no frequency). This variant has not been reported in the literature in individuals affected with PSMA3-related conditions. ClinVar contains an entry for this variant (Variation ID: 2097286). An algorithm developed to predict the effect of missense changes on protein structure and function (PolyPhen-2) suggests that this variant is likely to be tolerated. In summary, the available evidence is currently insufficient to determine the role of this variant in disease. Therefore, it has been classified as a Variant of Uncertain Significance.

NM_002788.4(PSMA3):c.206A>G (p.Asn69Ser)

Gene: PSMA3 (proteasome 20S subunit alpha 3; plus strand). Cytogenetic location: 14q23.1.
Variant type: single nucleotide variant.
Coding change: c.206A>G on transcript NM_002788.4 (MANE Select); coding-DNA position 206, A replaced by G.
Protein change: p.Asn69Ser; replaces asparagine 69 with serine.
Molecular consequence: missense variant. On other transcripts: non-coding transcript variant (1).
Genome position (GRCh38, 1-based): chr14:58,252,220, A>G. VCF-style: chr14-58252220-A-G. GRCh37 (hg19) VCF-style: chr14-58718938-A-G.
Other names: c.206A>G, p.Asn69Ser (NM_152132.3); short protein forms N69S.
Identifiers: ClinVar variation 2097286 (VCV002097286.4), dbSNP rs2502941156, ClinGen allele CA389847749.